The following is an entry in ClinVar:

NM_000059.4(BRCA2):c.6044T>A (p.Leu2015Ter)

Gene: BRCA2 (BRCA2 DNA repair associated; plus strand). Cytogenetic location: 13q13.1.
Variant type: single nucleotide variant.
Coding change: c.6044T>A on transcript NM_000059.4 (MANE Select); coding-DNA position 6044, T replaced by A.
Protein change: p.Leu2015Ter; replaces leucine 2015 with a stop codon.
Molecular consequence: nonsense.
Genome position (GRCh38, 1-based): chr13:32,340,399, T>A. VCF-style: chr13-32340399-T-A. GRCh37 (hg19) VCF-style: chr13-32914536-T-A.
Other names: 6272T>A; short protein forms L2015*.
Identifiers: ClinVar variation 156172 (VCV000156172.8), dbSNP rs587776468, ClinGen allele CA023566.

ClinVar aggregate classification (germline): Pathogenic. Review status: reviewed by expert panel (3 of 4 stars). 5 submissions from 5 submitters: Pathogenic (1). 4 of the submissions do not count toward it. Last evaluated 2016-09-08.

Conditions:
Breast and/or ovarian cancer. Identifiers: MedGen CN221562.
Hereditary cancer-predisposing syndrome. Also called: Tumor predisposition; Neoplastic Syndromes, Hereditary; Hereditary neoplastic syndrome; Hereditary Cancer Syndrome. Identifiers: Orphanet 140162, MedGen C0027672, MeSH D009386, MONDO:0015356.
Hereditary breast ovarian cancer syndrome. Also called: Hereditary breast and ovarian cancer; Hereditary breast and ovarian cancer syndrome (HBOC); Hereditary breast and ovarian cancer syndrome; BRCA1- and BRCA2-Associated Hereditary Breast and Ovarian Cancer; Breast and ovarian cancer; Hereditary breast and/or ovarian cancer syndrome. Identifiers: Orphanet 145, MedGen C0677776, MeSH D061325, MONDO:0003582. Disease mechanism: loss of function.
Breast-ovarian cancer, familial, susceptibility to, 2 (BROVCA2). Also called: BRCA2 Hereditary Breast and Ovarian Cancer. Identifiers: Orphanet 145, MedGen C2675520, MONDO:0012933, OMIM 612555. Disease mechanism: loss of function.

Submissions (5):

Evidence-based Network for the Interpretation of Germline Mutant Alleles (ENIGMA)
Classification: Pathogenic for Breast-ovarian cancer, familial, susceptibility to, 2. Last evaluated: 2016-09-08. Review status: reviewed by expert panel. Criteria: ENIGMA BRCA1/2 Classification Criteria (2015). Collection method: curation. Allele origin: germline.
Comment: Variant allele predicted to encode a truncated non-functional protein.

Women's Health and Genetics/Laboratory Corporation of America, LabCorp
Classification: Pathogenic for Hereditary breast ovarian cancer syndrome. Last evaluated: 2024-04-30. Review status: criteria provided, single submitter. Criteria: LabCorp Variant Classification Summary - May 2015. Collection method: clinical testing. Allele origin: germline. Not counted in ClinVar's aggregate classification.
Comment: Variant summary: BRCA2 c.6044T>A (p.Leu2015X) results in a premature termination codon, predicted to cause a truncation of the encoded protein or absence of the protein due to nonsense mediated decay, which are commonly known mechanisms for disease. The variant was absent in 1461452 control chromosomes. To our knowledge, no occurrence of c.6044T>A in individuals affected with Hereditary Breast And Ovarian Cancer Syndrome and no experimental evidence demonstrating its impact on protein function have been reported. ClinVar contains an entry for this variant (Variation ID: 156172). Based on the evidence outlined above, the variant was classified as pathogenic.

Ambry Genetics
Classification: Pathogenic for Hereditary cancer-predisposing syndrome. Last evaluated: 2015-02-20. Review status: criteria provided, single submitter. Criteria: Ambry Variant Classification Scheme 2023. Collection method: clinical testing. Allele origin: germline. Not counted in ClinVar's aggregate classification.
Comment: The p.L2015* pathogenic mutation (also known as c.6044T>A and 6272T>A) located in coding exon 10 of the BRCA2 gene, results from a T to A substitution at nucleotide position 6044. This changes the amino acid from a leucine to a stop codon within coding exon 10. Since premature stop codons are typically deleterious in nature, this alteration is interpreted as a disease-causing mutation (ACMG Recommendations for Standards for Interpretation and Reporting of Sequence Variations. Revision 2007. Genet Med. 2008;10:294).

CZECANCA consortium
Classification: Pathogenic for Breast and/or ovarian cancer. Last evaluated: 2019-06-11. Review status: no assertion criteria provided. Collection method: clinical testing. Allele origin: germline. Affected: yes. Observed: 1 variant allele. Not counted in ClinVar's aggregate classification.

Sharing Clinical Reports Project (SCRP)
Classification: Pathogenic for Breast-ovarian cancer, familial 2. Last evaluated: 2012-08-03. Review status: no assertion criteria provided. Collection method: clinical testing. Allele origin: germline. Not counted in ClinVar's aggregate classification.

Literature cited by the submitters: PubMed 32295079 (cited by CZECANCA consortium).